The following is an entry in ClinVar:

ClinVar aggregate classification (germline): Uncertain significance (1 of 4 stars; one submission).

Conditions:
Glycogen storage disease, type II (IOPD). Also called: POMPE DISEASE, INFANTILE-ONSET; GLYCOGEN STORAGE DISEASE II, INFANTILE-ONSET; ACID ALPHA-GLUCOSIDASE DEFICIENCY, INFANTILE-ONSET; GAA DEFICIENCY, INFANTILE-ONSET; ACID MALTASE DEFICIENCY, INFANTILE-ONSET; GLYCOGENOSIS, GENERALIZED, CARDIAC FORM. Identifiers: Orphanet 365, MedGen C0017921, MONDO:0009290, OMIM 232300.

Allele frequency attached by ClinVar (database versions not stated): ExAC 0.00001; gnomAD exomes 0.00001.
gnomAD v4.1: 1 of 1,612,744 alleles (0.000062%); highest among the groups gnomAD compares: East Asian, 0.0022%; no homozygotes.

Submission:

Labcorp Genetics (formerly Invitae), Labcorp
Classification: Uncertain significance for Glycogen storage disease, type II. Last evaluated: 2021-02-03. Review status: criteria provided, single submitter. Criteria: Invitae Variant Classification Sherloc (09022015). Collection method: clinical testing. Allele origin: germline.
Comment: This sequence change replaces histidine with leucine at codon 395 of the GAA protein (p.His395Leu). The histidine residue is weakly conserved and there is a moderate physicochemical difference between histidine and leucine. This variant is present in population databases (rs775121651, ExAC 0.01%). This variant has not been reported in the literature in individuals with GAA-related conditions. Advanced modeling of protein sequence and biophysical properties (such as structural, functional, and spatial information, amino acid conservation, physicochemical variation, residue mobility, and thermodynamic stability) performed at Invitae indicates that this missense variant is not expected to disrupt GAA protein function. In summary, the available evidence is currently insufficient to determine the role of this variant in disease. Therefore, it has been classified as a Variant of Uncertain Significance.

NM_000152.5(GAA):c.1184A>T (p.His395Leu)

Gene: GAA (alpha glucosidase; plus strand). Cytogenetic location: 17q25.3.
Variant type: single nucleotide variant.
Coding change: c.1184A>T on transcript NM_000152.5 (MANE Select); coding-DNA position 1184, A replaced by T.
Protein change: p.His395Leu; replaces histidine 395 with leucine.
Molecular consequence: missense variant.
Genome position (GRCh38, 1-based): chr17:80,108,597, A>T. VCF-style: chr17-80108597-A-T. GRCh37 (hg19) VCF-style: chr17-78082396-A-T.
Other names: c.1184A>T, p.His395Leu (NM_001079803.3, NM_001079804.3); short protein forms H395L.
Identifiers: ClinVar variation 1487632 (VCV001487632.8), dbSNP rs775121651, ClinGen allele CA8815193.